The following is an entry in ClinVar:

NM_198576.4(AGRN):c.4967G>A (p.Arg1656Gln)

Gene: AGRN (agrin; plus strand). Cytogenetic location: 1p36.33.
Variant type: single nucleotide variant.
Coding change: c.4967G>A on transcript NM_198576.4 (MANE Select); coding-DNA position 4967, G replaced by A.
Protein change: p.Arg1656Gln; replaces arginine 1656 with glutamine.
Molecular consequence: missense variant.
Genome position (GRCh38, 1-based): chr1:1,050,320, G>A. VCF-style: chr1-1050320-G-A. GRCh37 (hg19) VCF-style: chr1-985700-G-A.
Other names: c.4967G>A, p.Arg1656Gln (NM_001305275.2); c.4652G>A, p.Arg1551Gln (NM_001364727.2); short protein forms R1656Q, R1551Q.
Identifiers: ClinVar variation 451650 (VCV000451650.12), dbSNP rs374905300, ClinGen allele CA509781.

ClinVar aggregate classification (germline): Uncertain significance. Review status: criteria provided, multiple submitters, no conflicts (2 of 4 stars). 3 submissions from 3 submitters: Uncertain significance (3). Last evaluated 2024-11-20.

Conditions:
Inborn genetic diseases. Identifiers: MedGen C0950123, MeSH D030342.
Congenital myasthenic syndrome 8. Also called: MYASTHENIC SYNDROME, CONGENITAL, DUE TO AGRIN DEFICIENCY; Myasthenic syndrome, congenital, 8, with pre- and postsynaptic defects. Identifiers: Orphanet 590, MedGen C3808739, MONDO:0014052, OMIM 615120.

Allele frequency attached by ClinVar (database versions not stated): ESP Exome Variant Server 0.00008; gnomAD exomes 0.00010 and 0.00025; ExAC 0.00012; TOPMed 0.00016; gnomAD 0.00020 and 0.00021.
gnomAD v4.1: 397 of 1,612,798 alleles (0.025%); highest among the groups gnomAD compares: Non-Finnish European, 0.031%; no homozygotes.

Submissions (3):

Ambry Genetics
Classification: Uncertain significance for Inborn genetic diseases. Last evaluated: 2024-11-20. Review status: criteria provided, single submitter. Criteria: Ambry Variant Classification Scheme 2023. Collection method: clinical testing. Allele origin: germline.

Labcorp Genetics (formerly Invitae), Labcorp
Classification: Uncertain significance for Congenital myasthenic syndrome 8. Last evaluated: 2024-10-28. Review status: criteria provided, single submitter. Criteria: Invitae Variant Classification Sherloc (09022015). Collection method: clinical testing. Allele origin: germline.
Comment: This sequence change replaces arginine, which is basic and polar, with glutamine, which is neutral and polar, at codon 1656 of the AGRN protein (p.Arg1656Gln). This variant is present in population databases (rs374905300, gnomAD 0.02%). This variant has not been reported in the literature in individuals affected with AGRN-related conditions. ClinVar contains an entry for this variant (Variation ID: 451650). An algorithm developed to predict the effect of missense changes on protein structure and function (PolyPhen-2) suggests that this variant¬†is likely to be tolerated. In summary, the available evidence is currently insufficient to determine the role of this variant in disease. Therefore, it has been classified as a Variant of Uncertain Significance.

GeneDx
Classification: Uncertain significance. Last evaluated: 2017-08-24. Review status: criteria provided, single submitter. Criteria: GeneDx Variant Classification (06012015). Collection method: clinical testing. Allele origin: germline. Affected: yes.
Comment: The c.4967 G>A variant has not been published as a pathogenic variant, nor has it been reported as a benign variant to our knowledge. The c.4967 G>A variant is observed in 13/65,078 (0.02%) alleles from individuals of European background (Lek et al., 2016; 1000 Genomes Consortium et al., 2015; Exome Variant Server). Multiple in-silico splice prediction models predict that c.4967 G>A creates a cryptic splice acceptor site which may supplant the natural acceptor site and lead to abnormal gene splicing. However, in the absence of RNA/functional studies the actual effect of c.4967 G>A on splicing in this individual is unknown. If c.4967 G>A does not alter splicing, it will result in the R1656Q missense change. The R1656Q variant is a semi-conservative amino acid substitution, which may impact secondary protein structure as these residues differ in some properties. However, this substitution occurs at a position that is not conserved, and in silico analysis is inconsistent in its predictions as to whether or not the variant is damaging to the protein structure/function.